The following is an entry in ClinVar:

NM_024529.5(CDC73):c.580del (p.Arg194fs)

Gene: CDC73 (cell division cycle 73; plus strand). Cytogenetic location: 1q31.2.
Variant type: Deletion.
Coding change: c.580del on transcript NM_024529.5 (MANE Select); coding-DNA position 580, one base deleted (A; older notation c.580delA).
Protein change: p.Arg194fs; shifts the reading frame from arginine 194.
Molecular consequence: frameshift variant.
Genome position (GRCh38, 1-based): chr1:193,141,917, A deleted; the last of 4 consecutive A bases (chr1:193,141,914-193,141,917); deleting any one gives the same sequence. VCF-style (leftmost placement, unchanged base first): chr1-193141913-GA-G. GRCh37 (hg19) VCF-style: chr1-193111043-GA-G.
Other names: short protein forms R194fs.
Identifiers: ClinVar variation 4723952 (VCV004723952.1).

ClinVar aggregate classification (germline): Pathogenic (1 of 4 stars; one submission).

Conditions:
Parathyroid carcinoma (PRTC). Also called: Parathyroid gland carcinoma; CDC73-Related Parathyroid Carcinoma. Identifiers: Orphanet 143, MedGen C0687150, MONDO:0012004, OMIM 608266, HP:0006780.

Submission:

Labcorp Genetics (formerly Invitae), Labcorp
Classification: Pathogenic for Parathyroid carcinoma. Last evaluated: 2025-07-24. Review status: criteria provided, single submitter. Criteria: Invitae Variant Classification Sherloc (09022015). Collection method: clinical testing. Allele origin: germline.
Comment: This sequence change creates a premature translational stop signal (p.Arg194Aspfs*8) in the CDC73 gene. It is expected to result in an absent or disrupted protein product. Loss-of-function variants in CDC73 are known to be pathogenic (PMID: 12434154). This variant is not present in population databases (gnomAD no frequency). This variant has not been reported in the literature in individuals affected with CDC73-related conditions. For these reasons, this variant has been classified as Pathogenic.

Literature cited by the submitters: PubMed 12434154.